The following is an entry in ClinVar:

NM_021035.3(ZNFX1):c.537G>A (p.Met179Ile)

Gene: ZNFX1 (zinc finger NFX1-type containing 1; minus strand). Cytogenetic location: 20q13.13.
Variant type: single nucleotide variant.
Coding change: c.537G>A on transcript NM_021035.3 (MANE Select); coding-DNA position 537, G replaced by A.
Protein change: p.Met179Ile; replaces methionine 179 with isoleucine.
Molecular consequence: missense variant.
Genome position (GRCh38, 1-based): chr20:49,271,275, C>T on the plus strand (G>A on the coding strand, the complement: ZNFX1 is on the minus strand). VCF-style: chr20-49271275-C-T. GRCh37 (hg19) VCF-style: chr20-47887812-C-T.
Other names: short protein forms M179I.
Identifiers: ClinVar variation 4088101 (VCV004088101.2).

ClinVar aggregate classification (germline): Uncertain significance (1 of 4 stars; one submission).

Submission:

GeneDx
Classification: Uncertain significance. Last evaluated: 2026-06-16. Review status: criteria provided, single submitter. Criteria: GeneDx Variant Classification Process June 2021. Collection method: clinical testing. Allele origin: germline.
Comment: In silico analysis suggests that this missense variant does not alter protein structure/function; Has not been previously published as pathogenic or benign to our knowledge